The following is an entry in ClinVar:

ClinVar aggregate classification (germline): Likely benign. Review status: criteria provided, multiple submitters, no conflicts (2 of 4 stars). 3 submissions from 3 submitters: Likely benign (3). Last evaluated 2024-10-26.

Conditions:
Hereditary cancer-predisposing syndrome. Also called: Tumor predisposition; Hereditary neoplastic syndrome; Neoplastic Syndromes, Hereditary; Hereditary Cancer Syndrome. Identifiers: Orphanet 140162, MedGen C0027672, MeSH D009386, MONDO:0015356.
Familial adenomatous polyposis 2. Also called: MUTYH Polyposis; COLORECTAL ADENOMATOUS POLYPOSIS, AUTOSOMAL RECESSIVE; ADENOMAS, MULTIPLE COLORECTAL, AUTOSOMAL RECESSIVE; MUTYH-associated polyposis; MUTYH-related attenuated familial adenomatous polyposis; Adenomas, multiple colorectal. Identifiers: Orphanet 220460, Orphanet 247798, MedGen C3272841, MONDO:0012041, OMIM 608456.

Allele frequency attached by ClinVar (database versions not stated): gnomAD exomes below 0.00001.
gnomAD v4.1: 2 of 1,614,178 alleles (0.00012%); highest among the groups gnomAD compares: East Asian, 0.0022%; no homozygotes.

Submissions (3):

Labcorp Genetics (formerly Invitae), Labcorp
Classification: Likely benign for Familial adenomatous polyposis 2. Last evaluated: 2024-10-26. Review status: criteria provided, single submitter. Criteria: Invitae Variant Classification Sherloc (09022015). Collection method: clinical testing. Allele origin: germline.

Ambry Genetics
Classification: Likely benign for Hereditary cancer-predisposing syndrome. Last evaluated: 2017-12-19. Review status: criteria provided, single submitter. Criteria: Ambry Variant Classification Scheme 2023. Collection method: clinical testing. Allele origin: germline.

GeneDx
Classification: Likely benign. Last evaluated: 2017-05-24. Review status: criteria provided, single submitter. Criteria: GeneDx Variant Classification (06012015). Collection method: clinical testing. Allele origin: germline. Affected: yes.
Comment: This variant is considered likely benign or benign based on one or more of the following criteria: it is a conservative change, it occurs at a poorly conserved position in the protein, it is predicted to be benign by multiple in silico algorithms, and/or has population frequency not consistent with disease.

NM_001048174.2(MUTYH):c.1476A>G (p.Lys492=)

Gene: MUTYH (mutY DNA glycosylase; minus strand). Cytogenetic location: 1p34.1.
Variant type: single nucleotide variant.
Coding change: c.1476A>G on transcript NM_001048174.2 (MANE Select); coding-DNA position 1476, A replaced by G.
Protein change: p.Lys492=; no amino-acid change (lysine 492 retained).
Molecular consequence: synonymous variant. On other transcripts: non-coding transcript variant (2).
Genome position (GRCh38, 1-based): chr1:45,329,396, T>C on the plus strand (A>G on the coding strand, the complement: MUTYH is on the minus strand). VCF-style: chr1-45329396-T-C. GRCh37 (hg19) VCF-style: chr1-45795068-T-C.
Other names: c.1476A>G, p.Lys492= (NM_001048171.2, NM_001048173.2, NM_001293195.2); c.1479A>G, p.Lys493= (NM_001048172.2); c.1560A>G, p.Lys520= (NM_001128425.2); c.1521A>G, p.Lys507= (NM_001293190.2); c.1509A>G, p.Lys503= (NM_001293191.2); c.1200A>G, p.Lys400= (NM_001293192.2, NM_001293196.2); c.1131A>G, p.Lys377= (NM_001350650.2, NM_001350651.2); c.1551A>G, p.Lys517= (NM_012222.3).
Identifiers: ClinVar variation 509815 (VCV000509815.10), dbSNP rs1451314352, ClinGen allele CA340131801.